The following is an entry in ClinVar:

NM_032806.6(POMGNT2):c.1716_1717dup (p.Ala573fs)

Gene: POMGNT2 (protein O-linked mannose N-acetylglucosaminyltransferase 2 (beta 1,4-); minus strand). Cytogenetic location: 3p22.1.
Variant type: Duplication.
Coding change: c.1716_1717dup on transcript NM_032806.6 (MANE Select); coding-DNA positions 1716 to 1717, 2 bases duplicated (TG; older notation c.1716_1717dupTG).
Protein change: p.Ala573fs; shifts the reading frame from alanine 573.
Molecular consequence: frameshift variant.
Genome position (GRCh38, 1-based): chr3:43,079,715-43,079,716, CA duplicated on the plus strand (TG on the coding strand, the reverse complement: POMGNT2 is on the minus strand). VCF-style (leftmost placement, unchanged base first): chr3-43079714-G-GCA. GRCh37 (hg19) VCF-style: chr3-43121206-G-GCA.
Other names: short protein forms A573fs.
Identifiers: ClinVar variation 951970 (VCV000951970.6), dbSNP rs2089828424, ClinGen allele CA1139658013.

ClinVar aggregate classification (germline): Uncertain significance (1 of 4 stars; one submission).

Conditions:
Muscular dystrophy-dystroglycanopathy (congenital with brain and eye anomalies), type a, 8 (MDDGA8). Also called: WALKER-WARBURG SYNDROME OR MUSCLE-EYE-BRAIN DISEASE, GTDC2-RELATED. Identifiers: Orphanet 899, MedGen C3553813, MONDO:0013904, OMIM 614830.

Submission:

Labcorp Genetics (formerly Invitae), Labcorp
Classification: Uncertain significance for Muscular dystrophy-dystroglycanopathy (congenital with brain and eye anomalies), type a, 8. Last evaluated: 2022-07-26. Review status: criteria provided, single submitter. Criteria: Invitae Variant Classification Sherloc (09022015). Collection method: clinical testing. Allele origin: germline.
Comment: In summary, the available evidence is currently insufficient to determine the role of this variant in disease. Therefore, it has been classified as a Variant of Uncertain Significance. Experimental studies and prediction algorithms are not available or were not evaluated, and the functional significance of this variant is currently unknown. ClinVar contains an entry for this variant (Variation ID: 951970). This variant has not been reported in the literature in individuals affected with POMGNT2-related conditions. This variant is not present in population databases (gnomAD no frequency). This sequence change results in a frameshift in the POMGNT2 gene (p.Ala573Valfs*43). While this is not anticipated to result in nonsense mediated decay, it is expected to disrupt the last 8 amino acid(s) of the POMGNT2 protein and extend the protein by 34 additional amino acid residues.